The following is an entry in ClinVar:

NM_031466.8(TRAPPC9):c.-24G>A

Gene: TRAPPC9 (trafficking protein particle complex subunit 9; minus strand). Cytogenetic location: 8q24.3.
Variant type: single nucleotide variant.
Coding change: c.-24G>A on transcript NM_031466.8; 24 bases upstream of the start codon, G replaced by A.
Molecular consequence: 5 prime UTR variant.
Genome position (GRCh38, 1-based): chr8:140,458,294, C>T on the plus strand (G>A on the coding strand, the complement: TRAPPC9 is on the minus strand). VCF-style: chr8-140458294-C-T. GRCh37 (hg19) VCF-style: chr8-141468393-C-T.
Identifiers: ClinVar variation 362095 (VCV000362095.32), dbSNP rs370984854, ClinGen allele CA4893842.

ClinVar aggregate classification (germline): Conflicting classifications of pathogenicity. Review status: criteria provided, conflicting classifications (1 of 4 stars). 3 submissions from 3 submitters: Uncertain significance (2); Likely benign (1). Last evaluated 2025-07-01.

Conditions:
Inborn genetic diseases. Identifiers: MedGen C0950123, MeSH D030342.

Allele frequency attached by ClinVar (database versions not stated): gnomAD exomes 0.00007 and 0.00008; gnomAD 0.00009; ESP Exome Variant Server 0.00023; TOPMed 0.00006; ExAC 0.00018.
gnomAD v4.1: 127 of 1,558,220 alleles (0.0082%); highest among the groups gnomAD compares: Non-Finnish European, 0.0097%; no homozygotes.

Submissions (3):

CeGaT Center for Human Genetics Tuebingen
Classification: Likely benign. Last evaluated: 2025-07-01. Review status: criteria provided, single submitter. Criteria: CeGaT Center For Human Genetics Tuebingen Variant Classification Criteria Version 2. Collection method: clinical testing. Allele origin: germline. Affected: yes. Observed: 2 variant alleles.
Comment: TRAPPC9: BP4

Labcorp Genetics (formerly Invitae), Labcorp
Classification: Uncertain significance. Last evaluated: 2025-06-09. Review status: criteria provided, single submitter. Criteria: Invitae Variant Classification Sherloc (09022015). Collection method: clinical testing. Allele origin: germline.
Comment: This sequence change replaces alanine, which is neutral and non-polar, with threonine, which is neutral and polar, at codon 91 of the TRAPPC9 protein (p.Ala91Thr). This variant is present in population databases (rs370984854, gnomAD 0.02%). This variant has not been reported in the literature in individuals affected with TRAPPC9-related conditions. ClinVar contains an entry for this variant (Variation ID: 362095). An algorithm developed to predict the effect of missense changes on protein structure and function (PolyPhen-2) suggests that this variant is likely to be disruptive. In summary, the available evidence is currently insufficient to determine the role of this variant in disease. Therefore, it has been classified as a Variant of Uncertain Significance.

Ambry Genetics
Classification: Uncertain significance for Inborn genetic diseases. Last evaluated: 2021-08-17. Review status: criteria provided, single submitter. Criteria: Ambry Variant Classification Scheme 2023. Collection method: clinical testing. Allele origin: germline.